The following is an entry in ClinVar:

Single allele

Variant type: single nucleotide variant.
Identifiers: ClinVar variation 495335 (VCV000495335.1).

ClinVar aggregate classification (germline): Pathogenic (1 of 4 stars; one submission).

Conditions:
Glycogen storage disease, type II (IOPD). Also called: ACID ALPHA-GLUCOSIDASE DEFICIENCY, INFANTILE-ONSET; GAA DEFICIENCY, INFANTILE-ONSET; ACID MALTASE DEFICIENCY, INFANTILE-ONSET; POMPE DISEASE, INFANTILE-ONSET; GLYCOGEN STORAGE DISEASE II, INFANTILE-ONSET; Glucosidase acid-1,4-alpha deficiency. Identifiers: Orphanet 365, MedGen C0017921, MONDO:0009290, OMIM 232300.

Submission:

Broad Center for Mendelian Genomics, Broad Institute of MIT and Harvard
Classification: Pathogenic for Glycogen storage disease, type II. Last evaluated: 2017-06-25. Review status: criteria provided, single submitter. Criteria: ACMG Guidelines, 2015. Collection method: research. Allele origin: germline. Inheritance: Autosomal recessive inheritance. Affected: yes. Observed: 1 variant allele. Study: Broad Institute Center for Mendelian Genomics (CMG).
Comment: Previously reported in 2 patients in the literature with adult onset GSDII. PM2: Absent from gnomAD (well covered) and PM3: 3 compound heterozygotes with GSDII, including 2 in literature (PMID: 17616415).

Literature cited by the submitters: PubMed 17616415.